The following is an entry in ClinVar:

ClinVar aggregate classification (germline): Uncertain significance (1 of 4 stars; one submission).

Submission:

Labcorp Genetics (formerly Invitae), Labcorp
Classification: Uncertain significance. Last evaluated: 2020-12-28. Review status: criteria provided, single submitter. Criteria: Invitae Variant Classification Sherloc (09022015). Collection method: clinical testing. Allele origin: germline.
Comment: This sequence change replaces alanine with proline at codon 80 of the DRAM2 protein (p.Ala80Pro). The alanine residue is highly conserved and there is a small physicochemical difference between alanine and proline. In summary, the available evidence is currently insufficient to determine the role of this variant in disease. Therefore, it has been classified as a Variant of Uncertain Significance. Algorithms developed to predict the effect of missense changes on protein structure and function are either unavailable or do not agree on the potential impact of this missense change (SIFT: "Tolerated"; PolyPhen-2: "Possibly Damaging"; Align-GVGD: "Class C0"). This variant has been observed in individual(s) with clinical features of cone-rod dystrophy (Invitae). This variant is not present in population databases (ExAC no frequency).

NM_001349884.2(DRAM2):c.238G>C (p.Ala80Pro)

Gene: DRAM2 (DNA damage regulated autophagy modulator 2; minus strand). Cytogenetic location: 1p13.3.
Variant type: single nucleotide variant.
Coding change: c.238G>C on transcript NM_001349884.2 (MANE Select); coding-DNA position 238, G replaced by C.
Protein change: p.Ala80Pro; replaces alanine 80 with proline.
Molecular consequence: missense variant. On other transcripts: 5 prime UTR variant (1), non-coding transcript variant (3), intron variant (7).
Genome position (GRCh38, 1-based): chr1:111,124,843, C>G on the plus strand (G>C on the coding strand, the complement: DRAM2 is on the minus strand). VCF-style: chr1-111124843-C-G. GRCh37 (hg19) VCF-style: chr1-111667465-C-G.
Other names: c.238G>C, p.Ala80Pro (NM_001349881.2, NM_001349882.2, NM_001349885.2 and 1 more transcripts); c.-181G>C (NM_001349891.2); c.-52+1384G>C (NM_001349889.2, NM_001349890.2, NM_001349892.2 and 1 more transcripts); c.41+1384G>C (NM_001349887.2, NM_001349886.2, NM_001349888.2); short protein forms A80P.
Identifiers: ClinVar variation 1433149 (VCV001433149.8), dbSNP rs2101042533, ClinGen allele CA341819351.